The following is an entry in ClinVar:

NM_020461.4(TUBGCP6):c.1472C>T (p.Pro491Leu)

Gene: TUBGCP6 (tubulin gamma complex component 6; minus strand). Cytogenetic location: 22q13.33.
Variant type: single nucleotide variant.
Coding change: c.1472C>T on transcript NM_020461.4 (MANE Select); coding-DNA position 1472, C replaced by T.
Protein change: p.Pro491Leu; replaces proline 491 with leucine.
Molecular consequence: missense variant.
Genome position (GRCh38, 1-based): chr22:50,227,018, G>A on the plus strand (C>T on the coding strand, the complement: TUBGCP6 is on the minus strand). VCF-style: chr22-50227018-G-A. GRCh37 (hg19) VCF-style: chr22-50665447-G-A.
Other names: short protein forms P491L.
Identifiers: ClinVar variation 1899349 (VCV001899349.5), dbSNP rs2064622078, ClinGen allele CA412107177.

ClinVar aggregate classification (germline): Uncertain significance (1 of 4 stars; one submission).

gnomAD v4.1: 2 of 1,612,338 alleles (0.00012%); highest among the groups gnomAD compares: African/African-American, 0.0013%; no homozygotes.

Submission:

Labcorp Genetics (formerly Invitae), Labcorp
Classification: Uncertain significance. Last evaluated: 2022-01-04. Review status: criteria provided, single submitter. Criteria: Invitae Variant Classification Sherloc (09022015). Collection method: clinical testing. Allele origin: germline.
Comment: This variant has not been reported in the literature in individuals affected with TUBGCP6-related conditions. This variant is not present in population databases (gnomAD no frequency). This sequence change replaces proline, which is neutral and non-polar, with leucine, which is neutral and non-polar, at codon 491 of the TUBGCP6 protein (p.Pro491Leu). In summary, the available evidence is currently insufficient to determine the role of this variant in disease. Therefore, it has been classified as a Variant of Uncertain Significance. Algorithms developed to predict the effect of missense changes on protein structure and function are either unavailable or do not agree on the potential impact of this missense change (SIFT: "Tolerated"; PolyPhen-2: "Possibly Damaging"; Align-GVGD: "Class C0").